The following is an entry in ClinVar:

NM_001114753.3(ENG):c.923_931del (p.Ala308_Ile310del)

Gene: ENG (endoglin; minus strand). Cytogenetic location: 9q34.11.
Variant type: Deletion.
Coding change: c.923_931del on transcript NM_001114753.3 (MANE Select); coding-DNA positions 923 to 931, 9 bases deleted (CCAGCATTG; older notation c.923_931delCCAGCATTG).
Protein change: p.Ala308_Ile310del.
Molecular consequence: inframe deletion. On other transcripts: inframe indel (1).
Genome position (GRCh38, 1-based): chr9:127,824,860-127,824,868, CAATGCTGG deleted on the plus strand (CCAGCATTG on the coding strand, the reverse complement: ENG is on the minus strand); deleting any 9 consecutive bases within chr9:127,824,860-127,824,870 gives the same sequence; the c. name uses the placement nearest the transcript's 3' end. VCF-style (leftmost placement, unchanged base first): chr9-127824859-ACAATGCTGG-A. GRCh37 (hg19) VCF-style: chr9-130587138-ACAATGCTGG-A.
Other names: c.923_931del9 (NM_000118.3); c.923_931del, p.Ala308_Ile310del (NM_000118.4, NM_001406715.1); c.377_385del, p.Ala126_Ile128del (NM_001278138.2).
Identifiers: ClinVar variation 3347609 (VCV003347609.1).

ClinVar aggregate classification (germline): Uncertain significance (0 of 4 stars; one submission).

Conditions:
ENG-related disorder. Also called: ENG-related condition; ENG-related disorders.

Submission:

PreventionGenetics, part of Exact Sciences
Classification: Uncertain significance for ENG-related condition. Last evaluated: 2024-08-27. Review status: no assertion criteria provided. Collection method: clinical testing. Allele origin: germline.
Comment: The ENG c.923_931del9 variant is predicted to result in an in-frame deletion (p.Ala308_Ile310del). To our knowledge, this variant has not been reported in the literature or in a large population database, indicating this variant is rare. At PreventionGenetics, this variant was detected in four members of a family with features suggestive of HHT (Internal Data). Of note, a missense variant affecting a residue included in this deletion (p.Ala308Asp) has been reported in patients with hereditary hemorrhagic telangiectasia (HHT) and to impair protein function (Bossler et al. 2006. PubMed ID: 16752392; Supplementary Table in Nishida et al. 2012. PubMed ID: 22991266; Ali et al. 2011. PubMed ID: 22022569). Although we suspect that this variant may be pathogenic, at this time, the clinical significance of this variant is uncertain due to the absence of conclusive functional and genetic evidence.